The following is an entry in ClinVar:

ClinVar aggregate classification (germline): Likely benign. Review status: criteria provided, multiple submitters, no conflicts (2 of 4 stars). 2 submissions from 2 submitters: Likely benign (2). Last evaluated 2025-12-15.

Conditions:
Charcot-Marie-Tooth disease type 4. Also called: Charcot-Marie-Tooth disease, type IV; Charcot-Marie-Tooth, Type 4. Identifiers: Orphanet 64749, MedGen C4082197, MONDO:0018995.

Allele frequency attached by ClinVar (database versions not stated): TOPMed 0.00001; gnomAD 0.00002 and 0.00007; gnomAD exomes 0.00009 and 0.00018; ExAC 0.00023; 1000 Genomes Project 30x 0.00031; 1000 Genomes Project 0.00040.

Submissions (2):

Labcorp Genetics (formerly Invitae), Labcorp
Classification: Likely benign for Charcot-Marie-Tooth disease type 4. Last evaluated: 2025-12-15. Review status: criteria provided, single submitter. Criteria: Invitae Variant Classification Sherloc (09022015). Collection method: clinical testing. Allele origin: germline.

GeneDx
Classification: Likely benign. Last evaluated: 2017-04-13. Review status: criteria provided, single submitter. Criteria: GeneDx Variant Classification (06012015). Collection method: clinical testing. Allele origin: germline. Affected: yes.
Comment: This variant is considered likely benign or benign based on one or more of the following criteria: it is a conservative change, it occurs at a poorly conserved position in the protein, it is predicted to be benign by multiple in silico algorithms, and/or has population frequency not consistent with disease.

NM_030962.4(SBF2):c.142-11A>G

Gene: SBF2 (SET binding factor 2; minus strand). Cytogenetic location: 11p15.4.
Variant type: single nucleotide variant.
Coding change: c.142-11A>G on transcript NM_030962.4 (MANE Select); 11 bases into the intron before coding-DNA position 142, A replaced by G.
Molecular consequence: intron variant.
Genome position (GRCh38, 1-based): chr11:10,042,992, T>C on the plus strand (A>G on the coding strand, the complement: SBF2 is on the minus strand). VCF-style: chr11-10042992-T-C. GRCh37 (hg19) VCF-style: chr11-10064539-T-C.
Other names: c.142-11A>G (NM_001386342.1, NM_001386339.1).
Identifiers: ClinVar variation 508907 (VCV000508907.6), dbSNP rs539146891, ClinGen allele CA5882203.
Genomic context (GRCh38, chr11:10,042,992, plus strand): 5'-GTTGGCTGCTTCCTCTCTCTGGACAGCTGCCACCCGCCAGGCTGACAAAACTAAATGAAA[T>C]AGAAAAAAAAATGTAACATTTAAAAACAATAAAAGTTAATTATTAATCTCTGAGAAATTT-3'